The following is an entry in ClinVar:

NM_001696.4(ATP6V1E1):c.1A>G (p.Met1Val)

Gene: ATP6V1E1 (ATPase H+ transporting V1 subunit E1; minus strand). Cytogenetic location: 22q11.21.
Variant type: single nucleotide variant.
Coding change: c.1A>G on transcript NM_001696.4 (MANE Select); coding-DNA position 1, A replaced by G.
Protein change: p.Met1Val; changes the start codon (methionine 1).
Molecular consequence: missense variant, initiator codon variant.
Genome position (GRCh38, 1-based): chr22:17,628,635, T>C on the plus strand (A>G on the coding strand, the complement: ATP6V1E1 is on the minus strand). VCF-style: chr22-17628635-T-C. GRCh37 (hg19) VCF-style: chr22-18111401-T-C.
Other names: c.1A>G, p.Met1Val (NM_001039366.1, NM_001039367.1); short protein forms M1V.
Identifiers: ClinVar variation 488967 (VCV000488967.3), dbSNP rs1555866597, ClinGen allele CA410245803.

ClinVar aggregate classification (germline): Uncertain significance (1 of 4 stars; one submission).

Submission:

GeneDx
Classification: Uncertain significance. Last evaluated: 2017-02-20. Review status: criteria provided, single submitter. Criteria: GeneDx Variant Classification (06012015). Collection method: clinical testing. Allele origin: germline. Affected: yes.
Comment: The c.1A>G variant in the ATP6V1E1 gene has not been reported previously as a pathogenic variant nor as a benign variant, to our knowledge. As this variant changes the translation initiator Methionine codon, the resultant protein is described as p.Met1?, using a question mark to signify that it is not known if the loss of Met1 means that all protein translation is completely prevented or if an abnormal protein is produced using an alternate Methionine. The c.1A>G variant is not observed in large population cohorts (Lek et al., 2016; 1000 Genomes Consortium et al., 2015; Exome Variant Server). We interpret c.1A>G as a variant of uncertain significance.